The following is an entry in ClinVar:

ClinVar aggregate classification (germline): Uncertain significance (1 of 4 stars; one submission).

Conditions:
Autosomal recessive Robinow syndrome (RRS1). Also called: ROR2-Related Robinow Syndrome; COSTOVERTEBRAL SEGMENTATION DEFECT WITH MESOMELIA; COVESDEM SYNDROME; ROBINOW SYNDROME, AUTOSOMAL RECESSIVE 1. Identifiers: Orphanet 1507, Orphanet 97360, MedGen C5399974, MONDO:0009999, OMIM 268310.

gnomAD v4.1: 1 of 1,608,420 alleles (0.000062%); highest among the groups gnomAD compares: Non-Finnish European, 0.000085%; no homozygotes.

Submission:

3billion
Classification: Uncertain significance for Autosomal recessive Robinow syndrome. Last evaluated: 2025-09-17. Review status: criteria provided, single submitter. Criteria: ACMG Guidelines, 2015. Collection method: clinical testing. Allele origin: germline. Affected: yes.
Comment: The variant is observed at an extremely low frequency in the gnomAD v4.1.0 dataset (total allele frequency: <0.001%). Predicted Consequence/Location: Intron variant In silico tools predict the variant to alter splicing and produce an abnormal transcript [SpliceAI: 0.18 (spliceogenicity >=0.2, non-spliceogenicity <0.1)]. Therefore, this variant is classified as VUS according to the recommendation of ACMG/AMP guideline.

NM_004560.4(ROR2):c.623-10G>A

Gene: ROR2 (ROR family WNT receptor 2; minus strand). Cytogenetic location: 9q22.31.
Variant type: single nucleotide variant.
Coding change: c.623-10G>A on transcript NM_004560.4 (MANE Select); 10 bases into the intron before coding-DNA position 623, G replaced by A.
Molecular consequence: intron variant.
Genome position (GRCh38, 1-based): chr9:91,733,446, C>T on the plus strand (G>A on the coding strand, the complement: ROR2 is on the minus strand). VCF-style: chr9-91733446-C-T. GRCh37 (hg19) VCF-style: chr9-94495728-C-T.
Other names: c.623-10G>A (NM_001318204.2).
Identifiers: ClinVar variation 4855103 (VCV004855103.1).